The following is an entry in ClinVar:

NM_000057.4(BLM):c.3638del (p.Glu1213fs)

Gene: BLM (BLM RecQ like helicase; plus strand). Cytogenetic location: 15q26.1.
Variant type: Deletion.
Coding change: c.3638del on transcript NM_000057.4 (MANE Select); coding-DNA position 3638, one base deleted (A; older notation c.3638delA).
Protein change: p.Glu1213fs; shifts the reading frame from glutamic acid 1213.
Molecular consequence: frameshift variant. On other transcripts: intron variant (1).
Genome position (GRCh38, 1-based): chr15:90,804,246, A deleted. VCF-style (leftmost placement, unchanged base first): chr15-90804245-GA-G. GRCh37 (hg19) VCF-style: chr15-91347475-GA-G.
Other names: c.3638del (LRG_20t1); c.3638del, p.Glu1213fs (NM_001287246.2); c.2513del, p.Glu838fs (NM_001287248.2); c.3359-4891del (NM_001287247.2); short protein forms E838fs, E1213fs.
Identifiers: ClinVar variation 370511 (VCV000370511.11), dbSNP rs1057516547, ClinGen allele CA16041780.

ClinVar aggregate classification (germline): Pathogenic/Likely pathogenic. Review status: criteria provided, multiple submitters, no conflicts (2 of 4 stars). 3 submissions from 3 submitters: Pathogenic (1); Likely pathogenic (1). 1 of the submissions does not count toward it. Last evaluated 2022-06-28.

Conditions:
Bloom syndrome (BLM). Also called: Bloom-Torre-Machacek syndrome. Identifiers: Orphanet 125, MedGen C0005859, MONDO:0008876, OMIM 210900.

Submissions (3):

Labcorp Genetics (formerly Invitae), Labcorp
Classification: Pathogenic for Bloom syndrome. Last evaluated: 2022-06-28. Review status: criteria provided, single submitter. Criteria: Invitae Variant Classification Sherloc (09022015). Collection method: clinical testing. Allele origin: germline.
Comment: This sequence change creates a premature translational stop signal (p.Glu1213Glyfs*66) in the BLM gene. It is expected to result in an absent or disrupted protein product. Loss-of-function variants in BLM are known to be pathogenic (PMID: 17407155). This variant is not present in population databases (gnomAD no frequency). This variant has not been reported in the literature in individuals affected with BLM-related conditions. ClinVar contains an entry for this variant (Variation ID: 370511). Algorithms developed to predict the effect of sequence changes on RNA splicing suggest that this variant may disrupt the consensus splice site. For these reasons, this variant has been classified as Pathogenic.

Revvity Omics, Revvity
Classification: Likely pathogenic for Bloom syndrome. Last evaluated: 2022-02-07. Review status: criteria provided, single submitter. Criteria: ACMG Guidelines, 2015. Collection method: clinical testing. Allele origin: germline.

Counsyl
Classification: Likely pathogenic for Bloom syndrome. Last evaluated: 2016-02-23. Review status: no assertion criteria provided. Collection method: clinical testing. Allele origin: unknown. Not counted in ClinVar's aggregate classification.

Literature cited by the submitters: PubMed 17407155 (cited by Labcorp Genetics (formerly Invitae), Labcorp).